The following is an entry in ClinVar:

NM_015909.4(NBAS):c.427G>T (p.Asp143Tyr)

Gene: NBAS (NBAS subunit of NRZ tethering complex; minus strand). Cytogenetic location: 2p24.3.
Variant type: single nucleotide variant.
Coding change: c.427G>T on transcript NM_015909.4 (MANE Select); coding-DNA position 427, G replaced by T.
Protein change: p.Asp143Tyr; replaces aspartic acid 143 with tyrosine.
Molecular consequence: missense variant. On other transcripts: non-coding transcript variant (1).
Genome position (GRCh38, 1-based): chr2:15,539,309, C>A on the plus strand (G>T on the coding strand, the complement: NBAS is on the minus strand). VCF-style: chr2-15539309-C-A. GRCh37 (hg19) VCF-style: chr2-15679433-C-A.
Other names: c.427G>T (NM_015909.2); short protein forms D143Y.
Identifiers: ClinVar variation 1926704 (VCV001926704.3), dbSNP rs565228279, ClinGen allele CA345888148.

ClinVar aggregate classification (germline): Uncertain significance. Review status: criteria provided, multiple submitters, no conflicts (2 of 4 stars). 2 submissions from 2 submitters: Uncertain significance (2). Last evaluated 2025-03-17.

Conditions:
Inborn genetic diseases. Identifiers: MedGen C0950123, MeSH D030342.

gnomAD v4.1: 11 of 1,614,096 alleles (0.00068%); highest among the groups gnomAD compares: Non-Finnish European, 0.00093%; no homozygotes.

Submissions (2):

Ambry Genetics
Classification: Uncertain significance for Inborn genetic diseases. Last evaluated: 2025-03-17. Review status: criteria provided, single submitter. Criteria: Ambry Variant Classification Scheme 2023. Collection method: clinical testing. Allele origin: germline.

Labcorp Genetics (formerly Invitae), Labcorp
Classification: Uncertain significance. Last evaluated: 2022-03-19. Review status: criteria provided, single submitter. Criteria: Invitae Variant Classification Sherloc (09022015). Collection method: clinical testing. Allele origin: germline.
Comment: This sequence change replaces aspartic acid, which is acidic and polar, with tyrosine, which is neutral and polar, at codon 143 of the NBAS protein (p.Asp143Tyr). This variant is present in population databases (no rsID available, gnomAD 0.0009%). This variant has not been reported in the literature in individuals affected with NBAS-related conditions. Algorithms developed to predict the effect of missense changes on protein structure and function (SIFT, PolyPhen-2, Align-GVGD) all suggest that this variant is likely to be disruptive. In summary, the available evidence is currently insufficient to determine the role of this variant in disease. Therefore, it has been classified as a Variant of Uncertain Significance.